The following is an entry in ClinVar:

ClinVar aggregate classification (germline): Uncertain significance (1 of 4 stars; one submission).

Submission:

Ambry Genetics
Classification: Uncertain significance. Last evaluated: 2026-07-07. Review status: criteria provided, single submitter. Criteria: Ambry Variant Classification Scheme 2023. Collection method: clinical testing. Allele origin: germline.
Comment: The p.Y146H variant (also known as c.436T>C), located in coding exon 5 of the KIF1B gene, results from a T to C substitution at nucleotide position 436. The tyrosine at codon 146 is replaced by histidine, an amino acid with similar properties. This amino acid position is conserved. In addition, this alteration is predicted to be deleterious by in silico analysis. Based on the available evidence, the clinical significance of this variant remains unclear.

NM_001365951.3(KIF1B):c.436T>C (p.Tyr146His)

Gene: KIF1B (kinesin family member 1B; plus strand). Cytogenetic location: 1p36.22.
Variant type: single nucleotide variant.
Coding change: c.436T>C on transcript NM_001365951.3 (MANE Select); coding-DNA position 436, T replaced by C.
Protein change: p.Tyr146His; replaces tyrosine 146 with histidine.
Molecular consequence: missense variant.
Genome position (GRCh38, 1-based): chr1:10,267,386, T>C. VCF-style: chr1-10267386-T-C. GRCh37 (hg19) VCF-style: chr1-10327444-T-C.
Other names: c.436T>C, p.Tyr146His (NM_001365952.1, NM_001365953.1, NM_015074.3 and 1 more transcripts); short protein forms Y146H.
Identifiers: ClinVar variation 5023186 (VCV005023186.1).
Genomic context (GRCh38, chr1:10,267,386, plus strand): 5'-CTTCTGTATGTGATTTCTTTTTCACTCTAATTCACTTTACTAATTTGTTCATAGGTGAGC[T>C]ACATGGAAATTTACTGTGAAAGAGTACGAGATTTGCTGAATCCAAAAAACAAGGGTAATT-3'
Protein context (NP_001352880.1, residues 136-156): EEMSYSVEVS[Tyr146His]MEIYCERVRD